The following is an entry in ClinVar:

ClinVar aggregate classification (germline): Conflicting classifications of pathogenicity. Review status: criteria provided, conflicting classifications (1 of 4 stars). 5 submissions from 5 submitters: Uncertain significance (3); Likely benign (1). 1 of the submissions does not count toward it. Last evaluated 2026-01-06.

Conditions:
Cardiomyopathy (CMYO). Also called: Cardiomyopathies. Identifiers: Orphanet 167848, MedGen C0878544, MONDO:0004994, HP:0001638. Inheritance: Various modes of inheritance.
Becker muscular dystrophy (BMD). Also called: MUSCULAR DYSTROPHY, PSEUDOHYPERTROPHIC PROGRESSIVE, BECKER TYPE; Becker Muscular Dystrophy (BMD). Identifiers: Orphanet 98895, MedGen C0917713, MONDO:0010311, OMIM 300376.
Duchenne muscular dystrophy (DMD). Also called: MUSCULAR DYSTROPHY, PSEUDOHYPERTROPHIC PROGRESSIVE, DUCHENNE TYPE; Duchenne Muscular Dystrophy (DMD). Identifiers: Orphanet 98896, MedGen C0013264, MONDO:0010679, OMIM 310200.
Dystrophin deficiency.
Cardiovascular phenotype. Identifiers: MedGen CN230736.

Allele frequency attached by ClinVar (database versions not stated): ExAC 0.00001; gnomAD 0.00001 and 0.00002; gnomAD exomes 0.00001; TOPMed 0.00002; ESP Exome Variant Server 0.00019.
gnomAD v4.1: 12 of 1,209,881 alleles (0.00099%); highest among the groups gnomAD compares: East Asian, 0.0059%; no homozygotes.

Submissions (5):

Labcorp Genetics (formerly Invitae), Labcorp
Classification: Uncertain significance for Duchenne muscular dystrophy. Last evaluated: 2026-01-06. Review status: criteria provided, single submitter. Criteria: Invitae Variant Classification Sherloc (09022015). Collection method: clinical testing. Allele origin: germline.
Comment: This sequence change replaces proline, which is neutral and non-polar, with leucine, which is neutral and non-polar, at codon 3011 of the DMD protein (p.Pro3011Leu). This variant is present in population databases (rs143925896, gnomAD 0.002%). This variant has not been reported in the literature in individuals affected with DMD-related conditions. ClinVar contains an entry for this variant (Variation ID: 198302). Invitae Evidence Modeling of protein sequence and biophysical properties (such as structural, functional, and spatial information, amino acid conservation, physicochemical variation, residue mobility, and thermodynamic stability) indicates that this missense variant is not expected to disrupt DMD protein function with a negative predictive value of 95%. In summary, the available evidence is currently insufficient to determine the role of this variant in disease. Therefore, it has been classified as a Variant of Uncertain Significance.

Ambry Genetics
Classification: Likely benign for Cardiovascular phenotype. Last evaluated: 2025-07-08. Review status: criteria provided, single submitter. Criteria: Ambry Variant Classification Scheme 2023. Collection method: clinical testing. Allele origin: germline.

Blueprint Genetics
Classification: Uncertain significance. Last evaluated: 2023-01-03. Review status: criteria provided, single submitter. Criteria: ACMG Guidelines, 2015. Collection method: clinical testing. Allele origin: germline.

Eurofins Ntd Llc (ga)
Classification: Uncertain significance. Last evaluated: 2014-07-23. Review status: criteria provided, single submitter. Criteria: EGL Classification Definitions 2015. Collection method: clinical testing. Allele origin: germline. Observed: 1 variant allele, 1 hemizygote.

Natera, Inc.
Classification: Uncertain significance for Becker muscular dystrophy; Cardiomyopathy; Duchenne muscular dystrophy; Dystrophin deficiency. Last evaluated: 2018-05-22. Review status: no assertion criteria provided. Collection method: clinical testing. Allele origin: germline. Not counted in ClinVar's aggregate classification.

NM_004006.3(DMD):c.9032C>T (p.Pro3011Leu)

Gene: DMD (dystrophin; minus strand). Cytogenetic location: Xp21.2.
Variant type: single nucleotide variant.
Coding change: c.9032C>T on transcript NM_004006.3 (MANE Select); coding-DNA position 9032, C replaced by T.
Protein change: p.Pro3011Leu; replaces proline 3011 with leucine.
Molecular consequence: missense variant.
Genome position (GRCh38, 1-based): chrX:31,444,533, G>A on the plus strand (C>T on the coding strand, the complement: DMD is on the minus strand). VCF-style: chrX-31444533-G-A. GRCh37 (hg19) VCF-style: chrX-31462650-G-A.
Other names: c.9008C>T, p.Pro3003Leu (NM_000109.4); c.9020C>T, p.Pro3007Leu (NM_004009.3); c.8663C>T, p.Pro2888Leu (NM_004010.3); c.5009C>T, p.Pro1670Leu (NM_004011.4); c.5000C>T, p.Pro1667Leu (NM_004012.4); c.1652C>T, p.Pro551Leu (NM_004013.3, NM_004020.4, NM_004021.3 and 2 more transcripts); c.845C>T, p.Pro282Leu (NM_004014.3); short protein forms P3011L, P1667L, P3003L, P551L, P1670L, P3007L, P282L, P2888L.
Identifiers: ClinVar variation 198302 (VCV000198302.14), dbSNP rs143925896, ClinGen allele CA246864.